The following is an entry in ClinVar:

NM_001195553.2(DCX):c.1083G>A (p.Ser361=)

Gene: DCX (doublecortin; minus strand). Cytogenetic location: Xq23.
Variant type: single nucleotide variant.
Coding change: c.1083G>A on transcript NM_001195553.2 (MANE Select); coding-DNA position 1083, G replaced by A.
Protein change: p.Ser361=; no amino-acid change (serine 361 retained).
Molecular consequence: synonymous variant. On other transcripts: 3 prime UTR variant (3).
Genome position (GRCh38, 1-based): chrX:111,301,705, C>T on the plus strand (G>A on the coding strand, the complement: DCX is on the minus strand). VCF-style: chrX-111301705-C-T. GRCh37 (hg19) VCF-style: chrX-110544933-C-T.
Other names: c.1308G>A, p.Ser436= (NM_000555.3); c.1083G>A, p.Ser361= (NM_001369370.1); c.1080G>A, p.Ser360= (NM_001369371.1, NM_178152.3); c.1068G>A, p.Ser356= (NM_001369372.1); c.*10G>A (NM_001369373.1, NM_001369374.1, NM_001410715.1); c.1065G>A, p.Ser355= (NM_178151.3, NM_178153.3).
Identifiers: ClinVar variation 2661204 (VCV002661204.24), dbSNP rs757705937, ClinGen allele CA10493225.

ClinVar aggregate classification (germline): Likely benign (1 of 4 stars; one submission).

Allele frequency attached by ClinVar (database versions not stated): ExAC 0.00001; gnomAD exomes 0.00001; gnomAD 0.00002; TOPMed 0.00004.
gnomAD v4.1: 17 of 1,209,345 alleles (0.0014%); highest among the groups gnomAD compares: Middle Eastern, 0.023%; no homozygotes.

Submission:

CeGaT Center for Human Genetics Tuebingen
Classification: Likely benign. Last evaluated: 2022-11-01. Review status: criteria provided, single submitter. Criteria: CeGaT Center For Human Genetics Tuebingen Variant Classification Criteria Version 2. Collection method: clinical testing. Allele origin: germline. Affected: yes. Observed: 1 variant allele.
Comment: DCX: BP4, BP7